The following is an entry in ClinVar:

NM_001130144.3(LTBP3):c.3529T>C (p.Cys1177Arg)

Gene: LTBP3 (latent transforming growth factor beta binding protein 3; minus strand). Cytogenetic location: 11q13.1.
Variant type: single nucleotide variant.
Coding change: c.3529T>C on transcript NM_001130144.3 (MANE Select); coding-DNA position 3529, T replaced by C.
Protein change: p.Cys1177Arg; replaces cysteine 1177 with arginine.
Molecular consequence: missense variant.
Genome position (GRCh38, 1-based): chr11:65,539,738, A>G on the plus strand (T>C on the coding strand, the complement: LTBP3 is on the minus strand). VCF-style: chr11-65539738-A-G. GRCh37 (hg19) VCF-style: chr11-65307209-A-G.
Other names: c.3037T>C, p.Cys1013Arg (NM_001164266.1); c.3388T>C, p.Cys1130Arg (NM_021070.4); short protein forms C1013R, C1130R, C1177R.
Identifiers: ClinVar variation 2098652 (VCV002098652.4), dbSNP rs2496116105, ClinGen allele CA381266688.

ClinVar aggregate classification (germline): Uncertain significance (1 of 4 stars; one submission).

Conditions:
Brachyolmia-amelogenesis imperfecta syndrome. Also called: PLATYSPONDYLY WITH AMELOGENESIS IMPERFECTA; Tooth agenesis, selective, 6; Dental anomalies and short stature. Identifiers: Orphanet 2899, MedGen C1832594, MONDO:0011018, OMIM 601216. Disease mechanism: loss of function.

Submission:

Labcorp Genetics (formerly Invitae), Labcorp
Classification: Uncertain significance for Brachyolmia-amelogenesis imperfecta syndrome. Last evaluated: 2022-02-18. Review status: criteria provided, single submitter. Criteria: Invitae Variant Classification Sherloc (09022015). Collection method: clinical testing. Allele origin: germline.
Comment: In summary, the available evidence is currently insufficient to determine the role of this variant in disease. Therefore, it has been classified as a Variant of Uncertain Significance. Algorithms developed to predict the effect of missense changes on protein structure and function (SIFT, PolyPhen-2, Align-GVGD) all suggest that this variant is likely to be disruptive. This variant has not been reported in the literature in individuals affected with LTBP3-related conditions. This variant is not present in population databases (gnomAD no frequency). This sequence change replaces cysteine, which is neutral and slightly polar, with arginine, which is basic and polar, at codon 1177 of the LTBP3 protein (p.Cys1177Arg).